The following is an entry in ClinVar:

ClinVar aggregate classification (germline): Pathogenic (1 of 4 stars; one submission).

Conditions:
Polycystic kidney disease, adult type (PKD1). Also called: Polycystic Kidney, Autosomal Dominant; POLYCYSTIC KIDNEY DISEASE 1 WITH OR WITHOUT POLYCYSTIC LIVER DISEASE; Polycystic Kidney Disease 1, Autosomal Dominant; Polycystic kidney disease 1; Polycystic kidney disease 1, severe; POLYCYSTIC KIDNEY DISEASE, ADULT, TYPE I. Identifiers: MedGen C3149841, MONDO:0008263, OMIM 173900.

Submission:

MVZ Medizinische Genetik Mainz
Classification: Pathogenic for Polycystic kidney disease, adult type. Last evaluated: 2023-01-11. Review status: criteria provided, single submitter. Criteria: UK Practice Guidelines For Variant Classification V4 01 2020. Collection method: clinical testing. Allele origin: germline. Inheritance: Autosomal dominant inheritance. Affected: yes. Observed: 2 variant alleles.
Comment: ACMG Criteria: PVS1, PM2_SUP, PP4

NM_001009944.3(PKD1):c.215+1G>T

Gene: PKD1 (polycystin 1, transient receptor potential channel interacting; minus strand). Cytogenetic location: 16p13.3.
Variant type: single nucleotide variant.
Coding change: c.215+1G>T on transcript NM_001009944.3 (MANE Select); the canonical splice donor site of the intron after coding-DNA position 215, G replaced by T.
Molecular consequence: splice donor variant.
Genome position (GRCh38, 1-based): chr16:2,135,474, C>A on the plus strand (G>T on the coding strand, the complement: PKD1 is on the minus strand). VCF-style: chr16-2135474-C-A. GRCh37 (hg19) VCF-style: chr16-2185475-C-A.
Other names: c.215+1G>T (NM_000296.4).
Identifiers: ClinVar variation 3066337 (VCV003066337.1), dbSNP rs1555462433, ClinGen allele CA394282114.
Genomic context (GRCh38, chr16:2,135,474, plus strand): 5'-AACGCGCCCACGCCCGCCCGTCCCGCGGCCTCTCCCGGGTGCCGCTGGGCCCGCTACTCA[C>A]AGCGCTGTGGCGTCCGCGGGGATGCGCAGCGCGGGACCGAGCGTCCGCAGCCCGCGGCCC-3'